The following is an entry in ClinVar:

NM_000036.3(AMPD1):c.1361C>T (p.Thr454Ile)

Gene: AMPD1 (adenosine monophosphate deaminase 1; minus strand). Cytogenetic location: 1p13.2.
Variant type: single nucleotide variant.
Coding change: c.1361C>T on transcript NM_000036.3 (MANE Select); coding-DNA position 1361, C replaced by T.
Protein change: p.Thr454Ile; replaces threonine 454 with isoleucine.
Molecular consequence: missense variant.
Genome position (GRCh38, 1-based): chr1:114,677,378, G>A on the plus strand (C>T on the coding strand, the complement: AMPD1 is on the minus strand). VCF-style: chr1-114677378-G-A. GRCh37 (hg19) VCF-style: chr1-115219999-G-A.
Other names: c.1349C>T, p.Thr450Ile (NM_001172626.2); short protein forms T454I, T450I.
Identifiers: ClinVar variation 1007409 (VCV001007409.8), dbSNP rs768842182, ClinGen allele CA1020148.

ClinVar aggregate classification (germline): Uncertain significance (1 of 4 stars; one submission).

Conditions:
Muscle AMP deaminase deficiency (MMDD). Also called: AMPD1 DEFICIENCY; Myoadenylate deaminase deficiency, myopathy due to; Adenosine monophosphate deaminase 1 deficiency; AMP deaminase 1 deficiency; Adenosine Monophosphate Deaminase 1; ADENOSINE MONOPHOSPHATE DEAMINASE-1 DEFICIENCY, MYOPATHY DUE TO. Identifiers: Orphanet 45, MedGen C3714933, MONDO:0014220, OMIM 615511.

Allele frequency attached by ClinVar (database versions not stated): gnomAD exomes below 0.00001 and 0.00002; ExAC 0.00001; gnomAD 0.00001.
gnomAD v4.1: 5 of 1,610,522 alleles (0.00031%); highest among the groups gnomAD compares: East Asian, 0.0089%; no homozygotes.

Submission:

Labcorp Genetics (formerly Invitae), Labcorp
Classification: Uncertain significance for Muscle AMP deaminase deficiency. Last evaluated: 2020-07-12. Review status: criteria provided, single submitter. Criteria: Invitae Variant Classification Sherloc (09022015). Collection method: clinical testing. Allele origin: germline.
Comment: Algorithms developed to predict the effect of missense changes on protein structure and function are either unavailable or do not agree on the potential impact of this missense change (SIFT: "Deleterious"; PolyPhen-2: "Possibly Damaging"; Align-GVGD: "Class C0"). In summary, the available evidence is currently insufficient to determine the role of this variant in disease. Therefore, it has been classified as a Variant of Uncertain Significance. This variant has not been reported in the literature in individuals with AMPD1-related conditions. This variant is present in population databases (rs768842182, ExAC 0.01%). This sequence change replaces threonine with isoleucine at codon 487 of the AMPD1 protein (p.Thr487Ile). The threonine residue is weakly conserved and there is a moderate physicochemical difference between threonine and isoleucine.